The following is an entry in ClinVar:

ClinVar aggregate classification (germline): Uncertain significance. Review status: criteria provided, multiple submitters, no conflicts (2 of 4 stars). 2 submissions from 2 submitters: Uncertain significance (2). Last evaluated 2025-10-01.

Conditions:
Familial melanoma. Also called: Hereditary melanoma; Hereditary cutaneous melanoma. Identifiers: Orphanet 618, MedGen C1512419, MONDO:0018961.
Hereditary cancer-predisposing syndrome. Also called: Hereditary neoplastic syndrome; Hereditary Cancer Syndrome; Tumor predisposition; Neoplastic Syndromes, Hereditary. Identifiers: Orphanet 140162, MedGen C0027672, MeSH D009386, MONDO:0015356.

Submissions (2):

Ambry Genetics
Classification: Uncertain significance for Hereditary cancer-predisposing syndrome. Last evaluated: 2025-10-01. Review status: criteria provided, single submitter. Criteria: Ambry Variant Classification Scheme 2023. Collection method: clinical testing. Allele origin: germline.
Comment: The p.A85P variant (also known as c.253G>C), located in coding exon 2 of the CDKN2A gene, results from a G to C substitution at nucleotide position 253. The alanine at codon 85 is replaced by proline, an amino acid with highly similar properties. Of note, this variant is also known as c.296G>C (p.R99P) in the p14(ARF) isoform. This amino acid position is highly conserved in available vertebrate species. In addition, this alteration is predicted to be deleterious by in silico analysis. Based on the available evidence, the clinical significance of this variant remains unclear.

Labcorp Genetics (formerly Invitae), Labcorp
Classification: Uncertain significance for Familial melanoma. Last evaluated: 2021-02-28. Review status: criteria provided, single submitter. Criteria: Invitae Variant Classification Sherloc (09022015). Collection method: clinical testing. Allele origin: germline.
Comment: Algorithms developed to predict the effect of missense changes on protein structure and function (SIFT, PolyPhen-2, Align-GVGD) all suggest that p.Ala85Pro in p16INK4a is likely to be disruptive, but these predictions have not been confirmed by published functional studies and their clinical significance is uncertain. These same algorithms are either unavailable or do not agree on the potential impact of p.Arg99Pro in p14ARF (SIFT: "Deleterious"; PolyPhen-2: "Not Available"; Align-GVGD: "Class C65"). In summary, the available evidence is currently insufficient to determine the role of this variant in disease. Therefore, it has been classified as a Variant of Uncertain Significance. The CDKN2A gene encodes two different proteins, p16INK4a and p14ARF, which are translated from alternative transcripts that have different open reading frames. This sequence change replaces alanine with proline at codon 85 of the CDKN2A (p16INK4a) protein (p.Ala85Pro). The alanine residue is highly conserved and there is a small physicochemical difference between alanine and proline. Alternatively, this sequence change replaces arginine with proline at codon 99 of the CDKN2A (p14ARF) protein (p.Arg99Pro). The arginine residue is highly conserved and there is a moderate physicochemical difference between arginine and proline. This variant is not present in population databases (ExAC no frequency). This variant has not been reported in the literature in individuals with CDKN2A (p16INK4a)-related conditions.

NM_000077.5(CDKN2A):c.253G>C (p.Ala85Pro)

Gene: CDKN2A (cyclin dependent kinase inhibitor 2A; minus strand). Cytogenetic location: 9p21.3.
Variant type: single nucleotide variant.
Coding change: c.253G>C on transcript NM_000077.5; coding-DNA position 253, G replaced by C.
Protein change: p.Ala85Pro; replaces alanine 85 with proline.
Molecular consequence: missense variant (on NM_000077.6). On other transcripts: 3 prime UTR variant (1).
Genome position (GRCh38, 1-based): chr9:21,971,106, C>G on the plus strand (G>C on the coding strand, the complement: CDKN2A is on the minus strand). VCF-style: chr9-21971106-C-G. GRCh37 (hg19) VCF-style: chr9-21971105-C-G.
Other names: c.253G>C, p.Ala85Pro (NM_000077.6, NM_001195132.2); c.100G>C, p.Ala34Pro (NM_001363763.2); c.296G>C, p.Arg99Pro (NM_058195.4); c.*176G>C (NM_058197.5); short protein forms A34P, R99P, A85P.
Identifiers: ClinVar variation 1376090 (VCV001376090.9), dbSNP rs878853646, ClinGen allele CA373086227.
Genomic context (GRCh38, chr9:21,971,106, plus strand): 5'-CCAGCCGCGCCCCGGCCCGGTGCAGCACCACCAGCGTGTCCAGGAAGCCCTCCCGGGCAG[C>G]GTCGTGCACGGGTCGGGTGAGAGTGGCGGGGTCGGCGCAGTTGGGCTCCGCGCCGTGGAG-3'
Protein context (NP_000068.1, residues 75-95): PATLTRPVHD[Ala85Pro]AREGFLDTLV